The following is an entry in ClinVar:

NM_030777.4(SLC2A10):c.88T>C (p.Ser30Pro)

Gene: SLC2A10 (solute carrier family 2 member 10; plus strand). Cytogenetic location: 20q13.12.
Variant type: single nucleotide variant.
Coding change: c.88T>C on transcript NM_030777.4 (MANE Select); coding-DNA position 88, T replaced by C.
Protein change: p.Ser30Pro; replaces serine 30 with proline.
Molecular consequence: missense variant.
Genome position (GRCh38, 1-based): chr20:46,725,124, T>C. VCF-style: chr20-46725124-T-C. GRCh37 (hg19) VCF-style: chr20-45353763-T-C.
Other names: short protein forms S30P.
Identifiers: ClinVar variation 3228073 (VCV003228073.1), dbSNP rs2515586047, ClinGen allele CA409266318.

ClinVar aggregate classification (germline): Uncertain significance (1 of 4 stars; one submission).

Conditions:
Familial thoracic aortic aneurysm and aortic dissection (TAAD). Also called: Thoracic aortic aneurysms and dissections. Identifiers: Orphanet 91387, MedGen C4707243, MONDO:0019625.

Submission:

Ambry Genetics
Classification: Uncertain significance for Familial thoracic aortic aneurysm and aortic dissection. Last evaluated: 2023-12-07. Review status: criteria provided, single submitter. Criteria: Ambry Variant Classification Scheme 2023. Collection method: clinical testing. Allele origin: germline.
Comment: The p.S30P variant (also known as c.88T>C), located in coding exon 2 of the SLC2A10 gene, results from a T to C substitution at nucleotide position 88. The serine at codon 30 is replaced by proline, an amino acid with similar properties. This amino acid position is conserved. In addition, this alteration is predicted to be deleterious by in silico analysis. Since supporting evidence is limited at this time, the clinical significance of this alteration remains unclear.